The following is an entry in ClinVar:

ClinVar aggregate classification (germline): Likely pathogenic (1 of 4 stars; one submission).

Conditions:
ETV6-related disorder. Also called: ETV6-related condition.

Submission:

PreventionGenetics, part of Exact Sciences
Classification: Likely pathogenic for ETV6-related condition. Last evaluated: 2026-07-23. Review status: criteria provided, single submitter. Criteria: ACMG Guidelines, 2015. Collection method: clinical testing. Allele origin: germline.
Comment: The ETV6 c.1037_1040dupATCA variant is predicted to result in a frameshift and premature protein termination (p.Leu348Serfs*5). To our knowledge, this variant has not been reported in the literature or in a large population database (gnomAD), indicating this variant is rare. Frameshift variants in ETV6 are expected to be pathogenic. This variant is interpreted as likely pathogenic.

NM_001987.5(ETV6):c.1037_1040dup (p.Leu348fs)

Genes: ETV6 (ETS variant transcription factor 6; plus strand), LOC126861452 (CDK7 strongly-dependent group 2 enhancer GRCh37_chr12:12037195-12038394; plus strand). Cytogenetic location: 12p13.2.
Variant type: Duplication.
Coding change: c.1037_1040dup on transcript NM_001987.5 (MANE Select); coding-DNA positions 1037 to 1040, 4 bases duplicated (ATCA; older notation c.1037_1040dupATCA).
Protein change: p.Leu348fs; shifts the reading frame from leucine 348.
Molecular consequence: frameshift variant. On other transcripts: intron variant (1).
Genome position (GRCh38, 1-based): chr12:11,884,472-11,884,475, ATCA duplicated. VCF-style (leftmost placement, unchanged base first): chr12-11884471-T-TATCA. GRCh37 (hg19) VCF-style: chr12-12037405-T-TATCA.
Other names: c.1034_1037dup, p.Leu347fs (NM_001413913.1); c.1010_1013dup, p.Leu339fs (NM_001413914.1); c.773_776dup, p.Leu260fs (NM_001413915.1); c.1010-6469_1010-6466dup (NM_001413917.1); c.1037_1040dupATCA (NM_001987.4); short protein forms L347fs, L339fs, L348fs, L260fs.
Identifiers: ClinVar variation 4994670 (VCV004994670.1).
Genomic context (GRCh38, chr12:11,884,471, plus strand): 5'-TTCAACAGTGTTTTCTTGCCCTTTTCCTCTGTAGACTGTAGACTGCTTTGGGATTACGTC[T>TATCA]ATCAGTTGCTTTCTGACAGCCGGTACGAAAACTTCATCCGATGGGAGGACAAAGAATCCA-3'